The following is an entry in ClinVar:

NM_002519.3(NPAT):c.3392C>T (p.Ser1131Leu)

Gene: NPAT (nuclear protein, coactivator of histone transcription; minus strand). Cytogenetic location: 11q22.3.
Variant type: single nucleotide variant.
Coding change: c.3392C>T on transcript NM_002519.3 (MANE Select); coding-DNA position 3392, C replaced by T.
Protein change: p.Ser1131Leu; replaces serine 1131 with leucine.
Molecular consequence: missense variant.
Genome position (GRCh38, 1-based): chr11:108,161,694, G>A on the plus strand (C>T on the coding strand, the complement: NPAT is on the minus strand). VCF-style: chr11-108161694-G-A. GRCh37 (hg19) VCF-style: chr11-108032421-G-A.
Other names: c.3413C>T, p.Ser1138Leu (NM_001321307.1); short protein forms S1131L, S1138L.
Identifiers: ClinVar variation 1730918 (VCV001730918.3), dbSNP rs1295384097, ClinGen allele CA382510908.
Genomic context (GRCh38, chr11:108,161,694, plus strand): 5'-GAAACTTTCTTTTCTGATTGAGTTTCTCTTATGGTGGTATGCCGGCTAATGGCACTTTCC[G>A]ATTTAGATAAAATCTTAGGCAGAGGAGGCTTCTCTTTCTCTCTTTTGATAGCATTATTAG-3'
Protein context (NP_002510.2, residues 1121-1141): KPPLPKILSK[Ser1131Leu]ESAISRHTTI

ClinVar aggregate classification (germline): Uncertain significance. Review status: criteria provided, multiple submitters, no conflicts (2 of 4 stars). 2 submissions from 2 submitters: Uncertain significance (2). Last evaluated 2025-06-04.

Allele frequency attached by ClinVar (database versions not stated): TOPMed below 0.00001.

Submissions (2):

Labcorp Genetics (formerly Invitae), Labcorp
Classification: Uncertain significance. Last evaluated: 2025-06-04. Review status: criteria provided, single submitter. Criteria: Invitae Variant Classification Sherloc (09022015). Collection method: clinical testing. Allele origin: germline.
Comment: This sequence change replaces serine, which is neutral and polar, with leucine, which is neutral and non-polar, at codon 1131 of the NPAT protein (p.Ser1131Leu). This variant is present in population databases (no rsID available, gnomAD 0.003%). This variant has not been reported in the literature in individuals affected with NPAT-related conditions. ClinVar contains an entry for this variant (Variation ID: 1730918). An algorithm developed to predict the effect of missense changes on protein structure and function (PolyPhen-2) suggests that this variant is likely to be disruptive. In summary, the available evidence is currently insufficient to determine the role of this variant in disease. Therefore, it has been classified as a Variant of Uncertain Significance.

Ambry Genetics
Classification: Uncertain significance. Last evaluated: 2022-04-25. Review status: criteria provided, single submitter. Criteria: Ambry Variant Classification Scheme 2023. Collection method: clinical testing. Allele origin: germline.
Comment: The p.S1131L variant (also known as c.3392C>T), located in coding exon 17 of the NPAT gene, results from a C to T substitution at nucleotide position 3392. The serine at codon 1131 is replaced by leucine, an amino acid with dissimilar properties. This amino acid position is conserved. In addition, this alteration is predicted to be tolerated by in silico analysis. Since supporting evidence is limited at this time, the clinical significance of this alteration remains unclear.